The following is an entry in ClinVar:

ClinVar aggregate classification (germline): Uncertain significance (1 of 4 stars; one submission).

gnomAD v4.1: 1 of 1,612,922 alleles (0.000062%); highest among the groups gnomAD compares: Non-Finnish European, 0.000085%; no homozygotes.

Submission:

GeneDx
Classification: Uncertain significance. Last evaluated: 2026-04-16. Review status: criteria provided, single submitter. Criteria: GeneDx Variant Classification Process June 2021. Collection method: clinical testing. Allele origin: germline.
Comment: Not observed at significant frequency in large population cohorts (gnomAD); In silico analysis supports that this missense variant has a deleterious effect on protein structure/function; Has not been previously published as pathogenic or benign to our knowledge; This variant is associated with the following publications: (PMID: 23962696)

NM_016156.6(MTMR2):c.528T>A (p.Phe176Leu)

Gene: MTMR2 (myotubularin related protein 2; minus strand). Cytogenetic location: 11q21.
Variant type: single nucleotide variant.
Coding change: c.528T>A on transcript NM_016156.6 (MANE Select); coding-DNA position 528, T replaced by A.
Protein change: p.Phe176Leu; replaces phenylalanine 176 with leucine.
Molecular consequence: missense variant. On other transcripts: intron variant (2).
Genome position (GRCh38, 1-based): chr11:95,858,573, A>T on the plus strand (T>A on the coding strand, the complement: MTMR2 is on the minus strand). VCF-style: chr11-95858573-A-T. GRCh37 (hg19) VCF-style: chr11-95591737-A-T.
Other names: c.312T>A, p.Phe104Leu (NM_001243571.2, NM_001440630.1, NM_001440631.1 and 11 more transcripts); c.180T>A, p.Phe60Leu (NM_001440642.1); c.528T>A, p.Phe176Leu (NM_001440647.1, NM_001440648.1, NM_001440650.1 and 1 more transcripts); c.468+3419T>A (NM_001440649.1); c.252+3419T>A (NM_001440643.1); short protein forms F104L, F176L, F60L.
Identifiers: ClinVar variation 5037327 (VCV005037327.1).